The following is an entry in ClinVar:

ClinVar aggregate classification (germline): Pathogenic/Likely pathogenic. Review status: criteria provided, multiple submitters, no conflicts (2 of 4 stars). 2 submissions from 2 submitters: Pathogenic (1); Likely pathogenic (1). Last evaluated 2025-12-09.

Allele frequency attached by ClinVar (database versions not stated): gnomAD exomes 0.00001 and 0.00002; TOPMed 0.00004; ESP Exome Variant Server 0.00008; ExAC 0.00001.
gnomAD v4.1: 19 of 1,613,944 alleles (0.0012%); highest among the groups gnomAD compares: African/African-American, 0.0027%; no homozygotes.

Submissions (2):

Labcorp Genetics (formerly Invitae), Labcorp
Classification: Pathogenic. Last evaluated: 2025-12-09. Review status: criteria provided, single submitter. Criteria: Invitae Variant Classification Sherloc (09022015). Collection method: clinical testing. Allele origin: germline.
Comment: This sequence change creates a premature translational stop signal (p.Arg204*) in the CREB3L3 gene. It is expected to result in an absent or disrupted protein product. Loss-of-function variants in CREB3L3 are known to be pathogenic (PMID: 21666694, 26427795). This variant is present in population databases (rs376781216, gnomAD 0.01%). This variant has not been reported in the literature in individuals affected with CREB3L3-related conditions. ClinVar contains an entry for this variant (Variation ID: 1678170). For these reasons, this variant has been classified as Pathogenic.

AiLife Diagnostics
Classification: Likely pathogenic. Last evaluated: 2022-02-23. Review status: criteria provided, single submitter. Criteria: ACMG Guidelines, 2015. Collection method: clinical testing. Allele origin: germline. Affected: yes. Observed: 1 variant allele.

Literature cited by the submitters: PubMed 21666694 (cited by Labcorp Genetics (formerly Invitae), Labcorp); PubMed 26427795 (cited by Labcorp Genetics (formerly Invitae), Labcorp).

NM_032607.3(CREB3L3):c.610C>T (p.Arg204Ter)

Gene: CREB3L3 (cAMP responsive element binding protein 3 like 3; plus strand). Cytogenetic location: 19p13.3.
Variant type: single nucleotide variant.
Coding change: c.610C>T on transcript NM_032607.3 (MANE Select); coding-DNA position 610, C replaced by T.
Protein change: p.Arg204Ter; replaces arginine 204 with a stop codon.
Molecular consequence: nonsense.
Genome position (GRCh38, 1-based): chr19:4,164,536, C>T. VCF-style: chr19-4164536-C-T. GRCh37 (hg19) VCF-style: chr19-4164533-C-T.
Other names: c.607C>T, p.Arg203Ter (NM_001271995.2); c.604C>T, p.Arg202Ter (NM_001271996.2); c.610C>T, p.Arg204Ter (NM_001271997.2); short protein forms R202*, R203*, R204*.
Identifiers: ClinVar variation 1678170 (VCV001678170.3), dbSNP rs376781216, ClinGen allele CA9091397.